The following is an entry in ClinVar:

ClinVar aggregate classification (germline): Uncertain significance. Review status: reviewed by expert panel (3 of 4 stars). 4 submissions from 4 submitters: Uncertain significance (1). 3 of the submissions do not count toward it. Last evaluated 2023-07-24.

Conditions:
Mitochondrial disease. Also called: Mitochondrial disorders; Mitochondrial disorder. Identifiers: Orphanet 68380, MedGen C0751651, MeSH D028361, MONDO:0044970.
Progressive external ophthalmoplegia with myoclonus. Identifiers: MedGen C4016622.

Submissions (4):

ClinGen Mitochondrial Disease Nuclear and Mitochondrial  Variant Curation Expert Panel, ClinGen
Classification: Uncertain significance for Mitochondrial disease. Last evaluated: 2023-07-24. Review status: reviewed by expert panel. Criteria: clingen mito disease acmg specifications v1-1. Collection method: curation. Allele origin: germline. Inheritance: Mitochondrial inheritance.
Comment: Muscle biopsy showed COX-negative fibers and decreased electron transport chain enzyme activities. The variant was present at 80% heteroplasmy in muscle and was undetectable in blood lymphocytes. Single fiber testing in the proband showed higher levels of the variant in COX negative fibers (74%, n=26) than in COX positive fibers (53%, n=28), p<0.0003 (PS3_supporting, PMID: 10220860). There are no cybrids or other functional analyses reported for this variant. There is one additional reported individual with the variant in the medical literature, however the heteroplasmy levels are too low (3-4%) to be causative of the clinical features noted (febrile infection-related epilepsy syndrome, or FIRES; PMID: 37077567). This variant is absent in the MITOMAP GenBank dataset and gnomAD v3.1.2, and there is one heteroplasmic occurrence in the Helix dataset (PM2_supporting). The computational predictor MitoTIP suggests this variant is pathogenic (77.2 percentile) and HmtVAR predicts it to be pathogenic score of 0.65 (PP3). In summary, this variant meets criteria to be classified as uncertain significance for primary mitochondrial disease inherited in a mitochondrial manner. This classification was approved by the NICHD/NINDS U24 ClinGen Mitochondrial Disease Variant Curation Expert Panel on July 24, 2023. Mitochondrial DNA-specific ACMG/AMP criteria applied (PMID: 32906214): PS3_supporting, PM2_supporting, PP3.

Mendelics
Classification: Uncertain significance. Last evaluated: 2022-05-04. Review status: criteria provided, single submitter. Criteria: Mendelics Assertion Criteria 2019. Collection method: clinical testing. Allele origin: germline. Not counted in ClinVar's aggregate classification.

Stanford Center for Inherited Cardiovascular Disease, Stanford University
Classification: Uncertain significance. Last evaluated: 2011-12-02. Review status: criteria provided, single submitter. Criteria: ACMG Guidelines, 2015. Collection method: provider interpretation. Allele origin: germline. Not counted in ClinVar's aggregate classification.

OMIM
Classification: Pathogenic for PROGRESSIVE EXTERNAL OPHTHALMOPLEGIA WITH MYOCLONUS. Last evaluated: 1999-03-01. Review status: no assertion criteria provided. Collection method: literature only. Allele origin: germline. Not counted in ClinVar's aggregate classification.

Literature cited by the submitters: PubMed 10220860 (cited by OMIM).

NC_012920.1(MT-TK):m.8342G>A

Gene: MT-TK (mitochondrially encoded tRNA lysine; plus strand).
Variant type: single nucleotide variant.
Genome position: chrM-8342-G-A.
Other names: 8342G-A.
Identifiers: ClinVar variation 9582 (VCV000009582.5), dbSNP rs118192103, ClinGen allele CA120556.